The following is an entry in ClinVar:

ClinVar aggregate classification (germline): Pathogenic/Likely pathogenic. Review status: criteria provided, multiple submitters, no conflicts (2 of 4 stars). 2 submissions from 2 submitters: Pathogenic (1); Likely pathogenic (1). Last evaluated 2024-11-12.

Conditions:
Juvenile myelomonocytic leukemia (JMML). Also called: LEUKEMIA, JUVENILE MYELOMONOCYTIC, SOMATIC. Identifiers: Orphanet 86834, MedGen C0349639, MONDO:0011908, OMIM 607785, HP:0012209.
Neurofibromatosis, type 1 (NF1). Also called: NEUROFIBROMATOSIS, TYPE I, SOMATIC; Peripheral type neurofibromatosis; VON RECKLINGHAUSEN DISEASE; Neurofibromatosis, type I. Identifiers: Orphanet 636, MedGen C0027831, MONDO:0018975, OMIM 162200. Disease mechanism: loss of function.

Submissions (2):

Labcorp Genetics (formerly Invitae), Labcorp
Classification: Pathogenic for Neurofibromatosis, type 1. Last evaluated: 2024-11-12. Review status: criteria provided, single submitter. Criteria: Invitae Variant Classification Sherloc (09022015). Collection method: clinical testing. Allele origin: germline.
Comment: This sequence change creates a premature translational stop signal (p.Ser361Ilefs*15) in the NF1 gene. It is expected to result in an absent or disrupted protein product. Loss-of-function variants in NF1 are known to be pathogenic (PMID: 10712197, 23913538). This variant is not present in population databases (gnomAD no frequency). This variant has not been reported in the literature in individuals affected with NF1-related conditions. ClinVar contains an entry for this variant (Variation ID: 2677219). For these reasons, this variant has been classified as Pathogenic.

Baylor Genetics
Classification: Likely pathogenic for Juvenile myelomonocytic leukemia. Last evaluated: 2023-05-15. Review status: criteria provided, single submitter. Criteria: ACMG Guidelines, 2015. Collection method: clinical testing. Allele origin: unknown.

Literature cited by the submitters: PubMed 10712197 (cited by Labcorp Genetics (formerly Invitae), Labcorp); PubMed 23913538 (cited by Labcorp Genetics (formerly Invitae), Labcorp).

NM_001042492.3(NF1):c.1082del (p.Ser361fs)

Gene: NF1 (neurofibromin 1; plus strand). Cytogenetic location: 17q11.2.
Variant type: Deletion.
Coding change: c.1082del on transcript NM_001042492.3 (MANE Select); coding-DNA position 1082, one base deleted (G; older notation c.1082delG).
Protein change: p.Ser361fs; shifts the reading frame from serine 361.
Molecular consequence: frameshift variant.
Genome position (GRCh38, 1-based): chr17:31,201,056, G deleted. VCF-style (leftmost placement, unchanged base first): chr17-31201055-AG-A. GRCh37 (hg19) VCF-style: chr17-29528073-AG-A.
Other names: c.1082delG, p.Ser361Ilefs (NM_000267.4); c.1082del, p.Ser361fs (NM_001128147.3); short protein forms S361fs.
Identifiers: ClinVar variation 2677219 (VCV002677219.3), dbSNP rs2544796806, ClinGen allele CA2695201269.